The following is an entry in ClinVar:

ClinVar aggregate classification (germline): Uncertain significance (1 of 4 stars; one submission).

Submission:

Labcorp Genetics (formerly Invitae), Labcorp
Classification: Uncertain significance. Last evaluated: 2024-06-12. Review status: criteria provided, single submitter. Criteria: Invitae Variant Classification Sherloc (09022015). Collection method: clinical testing. Allele origin: germline.
Comment: This sequence change replaces asparagine, which is neutral and polar, with threonine, which is neutral and polar, at codon 1111 of the SORL1 protein (p.Asn1111Thr). This variant is not present in population databases (gnomAD no frequency). This variant has not been reported in the literature in individuals affected with SORL1-related conditions. An algorithm developed to predict the effect of missense changes on protein structure and function (PolyPhen-2) suggests that this variant is likely to be tolerated. In summary, the available evidence is currently insufficient to determine the role of this variant in disease. Therefore, it has been classified as a Variant of Uncertain Significance.

NM_003105.6(SORL1):c.3332A>C (p.Asn1111Thr)

Genes: SORL1 (sortilin related receptor 1; plus strand), LOC130006953 (ATAC-STARR-seq lymphoblastoid active region 5661; plus strand). Cytogenetic location: 11q24.1.
Variant type: single nucleotide variant.
Coding change: c.3332A>C on transcript NM_003105.6 (MANE Select); coding-DNA position 3332, A replaced by C.
Protein change: p.Asn1111Thr; replaces asparagine 1111 with threonine.
Molecular consequence: missense variant.
Genome position (GRCh38, 1-based): chr11:121,570,265, A>C. VCF-style: chr11-121570265-A-C. GRCh37 (hg19) VCF-style: chr11-121440974-A-C.
Other names: short protein forms N1111T.
Identifiers: ClinVar variation 3679030 (VCV003679030.2).
Genomic context (GRCh38, chr11:121,570,265, plus strand): 5'-TCAACAGCATTTGGTGGTGTGACTTTGACAACGACTGTGGAGACATGAGCGATGAGAGAA[A>C]CTGCCGTGAGTCTTCTGGATTGGACGTTAAGCACTTACCATTACTCAGAAGCCTGGTTGG-3'
Protein context (NP_003096.2, residues 1101-1121): NDCGDMSDER[Asn1111Thr]CPTTICDLDT